The following is an entry in ClinVar:

NM_001145860.2(POP1):c.2377G>A (p.Glu793Lys)

Gene: POP1 (POP1 homolog, ribonuclease P/MRP subunit; plus strand). Cytogenetic location: 8q22.2.
Variant type: single nucleotide variant.
Coding change: c.2377G>A on transcript NM_001145860.2 (MANE Select); coding-DNA position 2377, G replaced by A.
Protein change: p.Glu793Lys; replaces glutamic acid 793 with lysine.
Molecular consequence: missense variant.
Genome position (GRCh38, 1-based): chr8:98,156,369, G>A. VCF-style: chr8-98156369-G-A. GRCh37 (hg19) VCF-style: chr8-99168597-G-A.
Other names: c.2377G>A, p.Glu793Lys (NM_001145861.2, NM_015029.3); c.2377G>A (NM_015029.2); short protein forms E793K.
Identifiers: ClinVar variation 1362950 (VCV001362950.7), dbSNP rs376126108, ClinGen allele CA4820810.
Genomic context (GRCh38, chr8:98,156,369, plus strand): 5'-ATGGATGCAGGGTGTCAAGAATCGGCAGGGCCTGAGAGGATCACAGACCAGGAGGCCAGT[G>A]AAAACCATGTTGCTGCCACAGGGAGTCACCTCTGCGTTCTCAGGTAAGTGTCGGTGACTT-3'
Protein context (NP_001139332.1, residues 783-803): PERITDQEAS[Glu793Lys]NHVAATGSHL

ClinVar aggregate classification (germline): Uncertain significance. Review status: criteria provided, multiple submitters, no conflicts (2 of 4 stars). 2 submissions from 2 submitters: Uncertain significance (2). Last evaluated 2024-09-24.

Conditions:
Inborn genetic diseases. Identifiers: MedGen C0950123, MeSH D030342.

Allele frequency attached by ClinVar (database versions not stated): gnomAD 0.00004; ExAC 0.00005; gnomAD exomes 0.00005 and 0.00006; TOPMed 0.00007.
gnomAD v4.1: 92 of 1,613,818 alleles (0.0057%); highest among the groups gnomAD compares: Middle Eastern, 0.1%; 1 homozygote.

Submissions (2):

Ambry Genetics
Classification: Uncertain significance for Inborn genetic diseases. Last evaluated: 2024-09-24. Review status: criteria provided, single submitter. Criteria: Ambry Variant Classification Scheme 2023. Collection method: clinical testing. Allele origin: germline.

Labcorp Genetics (formerly Invitae), Labcorp
Classification: Uncertain significance. Last evaluated: 2022-07-13. Review status: criteria provided, single submitter. Criteria: Invitae Variant Classification Sherloc (09022015). Collection method: clinical testing. Allele origin: germline.
Comment: In summary, the available evidence is currently insufficient to determine the role of this variant in disease. Therefore, it has been classified as a Variant of Uncertain Significance. Algorithms developed to predict the effect of missense changes on protein structure and function (SIFT, PolyPhen-2, Align-GVGD) all suggest that this variant is likely to be tolerated. ClinVar contains an entry for this variant (Variation ID: 1362950). This variant has not been reported in the literature in individuals affected with POP1-related conditions. This variant is present in population databases (rs376126108, gnomAD 0.009%). This sequence change replaces glutamic acid, which is acidic and polar, with lysine, which is basic and polar, at codon 793 of the POP1 protein (p.Glu793Lys).